The following is an entry in ClinVar:

NM_004408.4(DNM1):c.2447C>A (p.Pro816His)

Genes: DNM1 (dynamin 1; plus strand), LOC130002699 (ATAC-STARR-seq lymphoblastoid silent region 20333; plus strand). Cytogenetic location: 9q34.11.
Variant type: single nucleotide variant.
Coding change: c.2447C>A on transcript NM_004408.4 (MANE Select); coding-DNA position 2447, C replaced by A.
Protein change: p.Pro816His; replaces proline 816 with histidine.
Molecular consequence: missense variant.
Genome position (GRCh38, 1-based): chr9:128,250,853, C>A. VCF-style: chr9-128250853-C-A. GRCh37 (hg19) VCF-style: chr9-131013132-C-A.
Other names: c.2447C>A, p.Pro816His (NM_001005336.3, NM_001288737.2, NM_001288738.2 and 1 more transcripts); short protein forms P816H.
Identifiers: ClinVar variation 589563 (VCV000589563.5), dbSNP rs1564355265, ClinGen allele CA375001801.

ClinVar aggregate classification (germline): Uncertain significance (1 of 4 stars; one submission).

Conditions:
Inborn genetic diseases. Identifiers: MedGen C0950123, MeSH D030342.

Submission:

Ambry Genetics
Classification: Uncertain significance for Inborn genetic diseases. Last evaluated: 2017-02-24. Review status: criteria provided, single submitter. Criteria: Ambry Variant Classification Scheme 2023. Collection method: clinical testing. Allele origin: germline.
Comment: The p.P816H variant (also known as c.2447C>A), located in coding exon 21 of the DNM1 gene, results from a C to A substitution at nucleotide position 2447. The proline at codon 816 is replaced by histidine, an amino acid with similar properties. This amino acid position is well conserved in available vertebrate species. In addition, this alteration is predicted to be tolerated by in silico analysis. Since supporting evidence is limited at this time, the clinical significance of this alteration remains unclear.